The following is an entry in ClinVar:

ClinVar aggregate classification (germline): Uncertain significance (1 of 4 stars; one submission).

Conditions:
Duchenne muscular dystrophy (DMD). Also called: MUSCULAR DYSTROPHY, PSEUDOHYPERTROPHIC PROGRESSIVE, DUCHENNE TYPE; Duchenne Muscular Dystrophy (DMD). Identifiers: Orphanet 98896, MedGen C0013264, MONDO:0010679, OMIM 310200.

Allele frequency attached by ClinVar (database versions not stated): gnomAD exomes below 0.00001.
gnomAD v4.1: 2 of 1,210,694 alleles (0.00017%); highest among the groups gnomAD compares: South Asian, 0.0018%; no homozygotes.

Submission:

Labcorp Genetics (formerly Invitae), Labcorp
Classification: Uncertain significance for Duchenne muscular dystrophy. Last evaluated: 2022-07-25. Review status: criteria provided, single submitter. Criteria: Invitae Variant Classification Sherloc (09022015). Collection method: clinical testing. Allele origin: germline.
Comment: In summary, the available evidence is currently insufficient to determine the role of this variant in disease. Therefore, it has been classified as a Variant of Uncertain Significance. Variants that disrupt the consensus splice site are a relatively common cause of aberrant splicing (PMID: 17576681, 9536098). Algorithms developed to predict the effect of sequence changes on RNA splicing suggest that this variant is not likely to affect RNA splicing. This variant has not been reported in the literature in individuals affected with DMD-related conditions. This variant is not present in population databases (gnomAD no frequency). This sequence change falls in intron 37 of the DMD gene. It does not directly change the encoded amino acid sequence of the DMD protein. It affects a nucleotide within the consensus splice site.

Literature cited by the submitters: PubMed 17576681; PubMed 9536098.

NM_004006.3(DMD):c.5325+4G>C

Gene: DMD (dystrophin; minus strand). Cytogenetic location: Xp21.1.
Variant type: single nucleotide variant.
Coding change: c.5325+4G>C on transcript NM_004006.3 (MANE Select); 4 bases into the intron after coding-DNA position 5325, G replaced by C.
Molecular consequence: intron variant.
Genome position (GRCh38, 1-based): chrX:32,362,784, C>G on the plus strand (G>C on the coding strand, the complement: DMD is on the minus strand). VCF-style: chrX-32362784-C-G. GRCh37 (hg19) VCF-style: chrX-32380901-C-G.
Other names: c.5301+4G>C (NM_000109.4); c.1302+4G>C (NM_004011.4); c.1293+4G>C (NM_004012.4); c.5313+4G>C (NM_004009.3); c.4956+4G>C (NM_004010.3).
Identifiers: ClinVar variation 2019555 (VCV002019555.4), dbSNP rs2522496238, ClinGen allele CA2580100629.